The following is an entry in ClinVar:

ClinVar aggregate classification (germline): Uncertain significance (1 of 4 stars; one submission).

Conditions:
Retinoblastoma (RB1). Also called: RETINOBLASTOMA, SOMATIC. Identifiers: Orphanet 790, MedGen C0035335, MeSH D012175, MONDO:0008380, OMIM 180200, HP:0009919. Disease mechanism: loss of function. Inheritance: Both sporadic and heritable forms are tested..

gnomAD v4.1: 1 of 1,390,418 alleles (0.000072%); highest among the groups gnomAD compares: Non-Finnish European, 0.000095%; no homozygotes.

Submission:

Labcorp Genetics (formerly Invitae), Labcorp
Classification: Uncertain significance for Retinoblastoma. Last evaluated: 2024-07-02. Review status: criteria provided, single submitter. Criteria: Invitae Variant Classification Sherloc (09022015). Collection method: clinical testing. Allele origin: germline.
Comment: This variant occurs in a non-coding region of the RB1 gene. It does not change the encoded amino acid sequence of the RB1 protein. This variant is not present in population databases (gnomAD no frequency). This variant has not been reported in the literature in individuals affected with RB1-related conditions. In summary, the available evidence is currently insufficient to determine the role of this variant in disease. Therefore, it has been classified as a Variant of Uncertain Significance.

NM_000321.3(RB1):c.-125A>T

Gene: RB1 (RB transcriptional corepressor 1; plus strand). Cytogenetic location: 13q14.2.
Variant type: single nucleotide variant.
Coding change: c.-125A>T on transcript NM_000321.3 (MANE Select); 125 bases upstream of the start codon, A replaced by T.
Molecular consequence: 5 prime UTR variant.
Genome position (GRCh38, 1-based): chr13:48,303,788, A>T. VCF-style: chr13-48303788-A-T. GRCh37 (hg19) VCF-style: chr13-48877924-A-T.
Other names: c.-125A>T (NM_001407165.1, NM_001407166.1, NM_001407167.1).
Identifiers: ClinVar variation 2983616 (VCV002983616.3), dbSNP rs1952049584, ClinGen allele CA2622977144.